The following is an entry in ClinVar:

ClinVar aggregate classification (germline): Uncertain significance (1 of 4 stars; one submission).

Submission:

GeneDx
Classification: Uncertain significance. Last evaluated: 2019-06-18. Review status: criteria provided, single submitter. Criteria: GeneDx Variant Classification Process June 2021. Collection method: clinical testing. Allele origin: germline. Affected: yes.
Comment: Not observed in large population cohorts (Lek et al., 2016); In silico analysis, which includes protein predictors and evolutionary conservation, supports that this variant does not alter protein structure/function; Has not been previously published as pathogenic or benign to our knowledge

NM_013275.6(ANKRD11):c.1987G>A (p.Asp663Asn)

Gene: ANKRD11 (ankyrin repeat domain containing 11; minus strand). Cytogenetic location: 16q24.3.
Variant type: single nucleotide variant.
Coding change: c.1987G>A on transcript NM_013275.6 (MANE Select); coding-DNA position 1987, G replaced by A.
Protein change: p.Asp663Asn; replaces aspartic acid 663 with asparagine.
Molecular consequence: missense variant.
Genome position (GRCh38, 1-based): chr16:89,284,555, C>T on the plus strand (G>A on the coding strand, the complement: ANKRD11 is on the minus strand). VCF-style: chr16-89284555-C-T. GRCh37 (hg19) VCF-style: chr16-89350963-C-T.
Other names: c.1987G>A, p.Asp663Asn (NM_001256182.2, NM_001256183.2); short protein forms D663N.
Identifiers: ClinVar variation 1303776 (VCV001303776.2), dbSNP rs2151761845, ClinGen allele CA397163458.